The following is an entry in ClinVar:

ClinVar aggregate classification (germline): Uncertain significance (1 of 4 stars; one submission).

Conditions:
Atrioventricular septal defect 5 (AVSD5). Identifiers: MedGen C3280939, MONDO:0013769, OMIM 614474.

Submission:

Labcorp Genetics (formerly Invitae), Labcorp
Classification: Uncertain significance for Atrioventricular septal defect 5. Last evaluated: 2021-11-29. Review status: criteria provided, single submitter. Criteria: Invitae Variant Classification Sherloc (09022015). Collection method: clinical testing. Allele origin: germline.
Comment: This sequence change replaces proline, which is neutral and non-polar, with glutamine, which is neutral and polar, at codon 544 of the GATA6 protein (p.Pro544Gln). This variant is not present in population databases (gnomAD no frequency). This variant has not been reported in the literature in individuals affected with GATA6-related conditions. Algorithms developed to predict the effect of missense changes on protein structure and function (SIFT, PolyPhen-2, Align-GVGD) all suggest that this variant is likely to be tolerated. In summary, the available evidence is currently insufficient to determine the role of this variant in disease. Therefore, it has been classified as a Variant of Uncertain Significance.

NM_005257.6(GATA6):c.1631C>A (p.Pro544Gln)

Gene: GATA6 (GATA binding protein 6; plus strand). Cytogenetic location: 18q11.2.
Variant type: single nucleotide variant.
Coding change: c.1631C>A on transcript NM_005257.6 (MANE Select); coding-DNA position 1631, C replaced by A.
Protein change: p.Pro544Gln; replaces proline 544 with glutamine.
Molecular consequence: missense variant.
Genome position (GRCh38, 1-based): chr18:22,200,666, C>A. VCF-style: chr18-22200666-C-A. GRCh37 (hg19) VCF-style: chr18-19780629-C-A.
Other names: short protein forms P544Q.
Identifiers: ClinVar variation 1379324 (VCV001379324.6), dbSNP rs767156756, ClinGen allele CA401803029.